The following is an entry in ClinVar:

NM_001267727.2(ARSG):c.1490A>C (p.Asn497Thr)

Genes: ARSG (arylsulfatase G; plus strand), PRKAR1A (protein kinase cAMP-dependent type I regulatory subunit alpha; plus strand). Cytogenetic location: 17q24.2.
Variant type: single nucleotide variant.
Coding change: c.1490A>C on transcript NM_001267727.2 (MANE Select); coding-DNA position 1490, A replaced by C.
Protein change: p.Asn497Thr; replaces asparagine 497 with threonine.
Molecular consequence: missense variant. On other transcripts: intron variant (3).
Genome position (GRCh38, 1-based): chr17:68,420,375, A>C. VCF-style: chr17-68420375-A-C. GRCh37 (hg19) VCF-style: chr17-66416516-A-C.
Other names: c.1487A>C, p.Asn496Thr (NM_001352907.2, NM_001352903.2, NM_001352904.2 and 2 more transcripts); c.1490A>C, p.Asn497Thr (NM_014960.5, NM_001352900.2, NM_001352901.2 and 2 more transcripts); c.1303+18925A>C (NM_001352910.2); c.1255+18925A>C (NM_001352909.2); c.-7+6580A>C (NM_001278433.2); short protein forms N496T, N497T.
Identifiers: ClinVar variation 1913815 (VCV001913815.2), dbSNP rs2082695833, ClinGen allele CA400749225.

ClinVar aggregate classification (germline): Uncertain significance (1 of 4 stars; one submission).

Submission:

Labcorp Genetics (formerly Invitae), Labcorp
Classification: Uncertain significance. Last evaluated: 2022-05-17. Review status: criteria provided, single submitter. Criteria: Invitae Variant Classification Sherloc (09022015). Collection method: clinical testing. Allele origin: germline.
Comment: This sequence change replaces asparagine, which is neutral and polar, with threonine, which is neutral and polar, at codon 497 of the ARSG protein (p.Asn497Thr). This variant is not present in population databases (gnomAD no frequency). This variant has not been reported in the literature in individuals affected with ARSG-related conditions. Algorithms developed to predict the effect of missense changes on protein structure and function are either unavailable or do not agree on the potential impact of this missense change (SIFT: "Tolerated"; PolyPhen-2: "Possibly Damaging"; Align-GVGD: "Class C0"). In summary, the available evidence is currently insufficient to determine the role of this variant in disease. Therefore, it has been classified as a Variant of Uncertain Significance.